The following is an entry in ClinVar:

NM_025114.4(CEP290):c.2058A>G (p.Ile686Met)

Gene: CEP290 (centrosomal protein 290; minus strand). Cytogenetic location: 12q21.32.
Variant type: single nucleotide variant.
Coding change: c.2058A>G on transcript NM_025114.4 (MANE Select); coding-DNA position 2058, A replaced by G.
Protein change: p.Ile686Met; replaces isoleucine 686 with methionine.
Molecular consequence: missense variant.
Genome position (GRCh38, 1-based): chr12:88,111,853, T>C on the plus strand (A>G on the coding strand, the complement: CEP290 is on the minus strand). VCF-style: chr12-88111853-T-C. GRCh37 (hg19) VCF-style: chr12-88505630-T-C.
Other names: short protein forms I686M.
Identifiers: ClinVar variation 1964183 (VCV001964183.2), dbSNP rs1439546880, ClinGen allele CA385975599.

ClinVar aggregate classification (germline): Uncertain significance (1 of 4 stars; one submission).

Conditions:
Joubert syndrome. Also called: CEREBELLOPARENCHYMAL DISORDER IV; JOUBERT-BOLTSHAUSER SYNDROME; Familial aplasia of the vermis. Identifiers: Orphanet 475, MedGen C5979921, MONDO:0018772.
Meckel-Gruber syndrome. Also called: DYSENCEPHALIA SPLANCHNOCYSTICA; GRUBER SYNDROME; Dysencephalia splachnocystica. Identifiers: Orphanet 564, MedGen C0265215, MONDO:0018921.
Nephronophthisis. Also called: Juvenile Nephronophthisis. Identifiers: Orphanet 655, MedGen C0687120, MONDO:0019005, HP:0000090.

Submission:

Labcorp Genetics (formerly Invitae), Labcorp
Classification: Uncertain significance for Joubert syndrome; Meckel-Gruber syndrome; Nephronophthisis. Last evaluated: 2022-03-19. Review status: criteria provided, single submitter. Criteria: Invitae Variant Classification Sherloc (09022015). Collection method: clinical testing. Allele origin: germline.
Comment: This sequence change replaces isoleucine, which is neutral and non-polar, with methionine, which is neutral and non-polar, at codon 686 of the CEP290 protein (p.Ile686Met). This variant is present in population databases (no rsID available, gnomAD no frequency). This variant has not been reported in the literature in individuals affected with CEP290-related conditions. Algorithms developed to predict the effect of missense changes on protein structure and function output the following: SIFT: "Tolerated"; PolyPhen-2: "Benign"; Align-GVGD: "Class C0". The methionine amino acid residue is found in multiple mammalian species, which suggests that this missense change does not adversely affect protein function. In summary, the available evidence is currently insufficient to determine the role of this variant in disease. Therefore, it has been classified as a Variant of Uncertain Significance.